The following is an entry in ClinVar:

NM_001282531.3(ADNP):c.3245_3247dup (p.Asp1082_Gly1083insAsp)

Gene: ADNP (activity dependent neuroprotector homeobox; minus strand). Cytogenetic location: 20q13.13.
Variant type: Duplication.
Coding change: c.3245_3247dup on transcript NM_001282531.3 (MANE Select); coding-DNA positions 3245 to 3247, 3 bases duplicated (ATG; older notation c.3245_3247dupATG).
Protein change: p.Asp1082_Gly1083insAsp.
Molecular consequence: inframe insertion.
Genome position (GRCh38, 1-based): chr20:50,891,467-50,891,469, CAT duplicated on the plus strand (ATG on the coding strand, the reverse complement: ADNP is on the minus strand); duplicating any 3 consecutive bases within chr20:50,891,467-50,891,471 gives the same sequence; the c. name uses the placement nearest the transcript's 3' end. VCF-style (leftmost placement, unchanged base first): chr20-50891466-C-CCAT. GRCh37 (hg19) VCF-style: chr20-49508003-C-CCAT.
Other names: c.3245_3247dupATG (NM_001282531.2); c.3245_3247dup, p.Asp1082_Gly1083insAsp (NM_001282532.2, NM_001347511.2, NM_015339.5 and 1 more transcripts).
Identifiers: ClinVar variation 2784727 (VCV002784727.4), dbSNP rs764039253, ClinGen allele CA745309908.
Genomic context (GRCh38, chr20:50,891,466, plus strand): 5'-TAGGCCTGTTGGCTGCTCAGTTTAACTCCGGCTAAGCTGCCATGCATGGGCTCAGCTACT[C>CCAT]CATCAGTCATGTTGTCAAACTGTTCCCCATCCTCACTGTCAATTGTGCTATTCTGCCACT-3'

ClinVar aggregate classification (germline): Uncertain significance. Review status: criteria provided, single submitter (1 of 4 stars). 2 submissions from 2 submitters: Uncertain significance (1). 1 of the submissions does not count toward it. Last evaluated 2025-08-07.

Conditions:
ADNP-related disorder. Also called: ADNP-related condition.

Submissions (2):

Labcorp Genetics (formerly Invitae), Labcorp
Classification: Uncertain significance. Last evaluated: 2025-08-07. Review status: criteria provided, single submitter. Criteria: Invitae Variant Classification Sherloc (09022015). Collection method: clinical testing. Allele origin: germline.
Comment: This variant, c.3245_3247dup, results in the insertion of 1 amino acid(s) of the ADNP protein (p.Asp1082dup), but otherwise preserves the integrity of the reading frame. This variant is not present in population databases (gnomAD no frequency). This variant has not been reported in the literature in individuals affected with ADNP-related conditions. ClinVar contains an entry for this variant (Variation ID: 2784727). In summary, the available evidence is currently insufficient to determine the role of this variant in disease. Therefore, it has been classified as a Variant of Uncertain Significance.

PreventionGenetics, part of Exact Sciences
Classification: Uncertain significance for ADNP-related condition. Last evaluated: 2024-07-03. Review status: no assertion criteria provided. Collection method: clinical testing. Allele origin: germline. Not counted in ClinVar's aggregate classification.
Comment: The ADNP c.3245_3247dupATG variant is predicted to result in an in-frame duplication (p.Asp1082dup). To our knowledge, this variant has not been reported in the literature or in a large population database, indicating this variant is rare. At this time, the clinical significance of this variant is uncertain due to the absence of conclusive functional and genetic evidence.